The following is an entry in ClinVar:

NM_002108.4(HAL):c.485-5T>C

Gene: HAL (histidine ammonia-lyase; minus strand). Cytogenetic location: 12q23.1.
Variant type: single nucleotide variant.
Coding change: c.485-5T>C on transcript NM_002108.4 (MANE Select); 5 bases into the intron before coding-DNA position 485, T replaced by C.
Molecular consequence: intron variant.
Genome position (GRCh38, 1-based): chr12:95,993,843, A>G on the plus strand (T>C on the coding strand, the complement: HAL is on the minus strand). VCF-style: chr12-95993843-A-G. GRCh37 (hg19) VCF-style: chr12-96387621-A-G.
Other names: c.-74+83T>C (NM_001258333.2); c.485-5T>C (NM_001258334.2).
Identifiers: ClinVar variation 310719 (VCV000310719.8), dbSNP rs2302629, ClinGen allele CA6727977.

ClinVar aggregate classification (germline): Benign. Review status: criteria provided, multiple submitters, no conflicts (2 of 4 stars). 3 submissions from 3 submitters: Benign (2). 1 of the submissions does not count toward it. Last evaluated 2018-01-12.

Conditions:
Histidinemia. Also called: Hyperhistidinemia; Deficiency of histidine ammonia-lyase; HAL DEFICIENCY; HIS DEFICIENCY; HISTIDASE DEFICIENCY; HISTIDINE AMMONIA-LYASE DEFICIENCY. Identifiers: Orphanet 2157, MedGen C0220992, MONDO:0009345, OMIM 235800, HP:0010906.
HAL-related disorder. Also called: HAL-related condition.

Allele frequency attached by ClinVar (database versions not stated): gnomAD exomes 0.54844 and 0.57802; ExAC 0.56479; 1000 Genomes Project 30x 0.57761; 1000 Genomes Project 0.57967; TOPMed 0.60613; gnomAD 0.61343 and 0.61949; ESP Exome Variant Server 0.64131.
gnomAD v4.1: 883,114 of 1,519,410 alleles (58%); highest among the groups gnomAD compares: African/African-American, 75%; 261,017 homozygotes.

Submissions (3):

Illumina Laboratory Services, Illumina
Classification: Benign for Histidinemia. Last evaluated: 2018-01-12. Review status: criteria provided, single submitter. Criteria: ICSL Variant Classification Criteria 13 December 2019. Collection method: clinical testing. Allele origin: germline.
Comment: This variant was observed in the ICSL laboratory as part of a predisposition screen in an ostensibly healthy population. It had not been previously curated by ICSL or reported in the Human Gene Mutation Database (HGMD: prior to June 1st, 2018), and was therefore a candidate for classification through an automated scoring system. Utilizing variant allele frequency, disease prevalence and penetrance estimates, and inheritance mode, an automated score was calculated to assess if this variant is too frequent to cause the disease. Based on the score and internal cut-off values, a variant classified as benign is not then subjected to further curation. The score for this variant resulted in a classification of benign for this disease.

Breakthrough Genomics
Classification: Benign. Review status: criteria provided, single submitter. Criteria: ACMG Guidelines, 2015. Collection method: not provided. Allele origin: germline. Inheritance: Autosomal recessive inheritance. Affected: yes.

PreventionGenetics, part of Exact Sciences
Classification: Benign for HAL-related condition. Last evaluated: 2019-10-21. Review status: no assertion criteria provided. Collection method: clinical testing. Allele origin: germline. Not counted in ClinVar's aggregate classification.
Comment: This variant is classified as benign based on ACMG/AMP sequence variant interpretation guidelines (Richards et al. 2015 PMID: 25741868, with internal and published modifications).